The following is an entry in ClinVar:

ClinVar aggregate classification (germline): Uncertain significance. Review status: criteria provided, multiple submitters, no conflicts (2 of 4 stars). 2 submissions from 2 submitters: Uncertain significance (2). Last evaluated 2026-05-13.

Conditions:
NBAS-related disorder. Also called: NBAS-related condition.

Allele frequency attached by ClinVar (database versions not stated): gnomAD exomes below 0.00001.
gnomAD v4.1: 1 of 1,611,774 alleles (0.000062%); highest among the groups gnomAD compares: Middle Eastern, 0.017%; no homozygotes.

Submissions (2):

PreventionGenetics, part of Exact Sciences
Classification: Uncertain significance for NBAS-related condition. Last evaluated: 2026-05-13. Review status: criteria provided, single submitter. Criteria: ACMG Guidelines, 2015. Collection method: clinical testing. Allele origin: germline.
Comment: The NBAS c.5390G>A variant is predicted to result in the amino acid substitution p.Gly1797Asp. To our knowledge, this variant has not been reported in the literature. This variant is reported in 0.0% of alleles in individuals of African descent in gnomAD. At this time, the clinical significance of this variant is uncertain due to the absence of conclusive functional and genetic evidence.

Labcorp Genetics (formerly Invitae), Labcorp
Classification: Uncertain significance. Last evaluated: 2022-08-15. Review status: criteria provided, single submitter. Criteria: Invitae Variant Classification Sherloc (09022015). Collection method: clinical testing. Allele origin: germline.
Comment: In summary, the available evidence is currently insufficient to determine the role of this variant in disease. Therefore, it has been classified as a Variant of Uncertain Significance. Algorithms developed to predict the effect of missense changes on protein structure and function (SIFT, PolyPhen-2, Align-GVGD) all suggest that this variant is likely to be disruptive. This variant is not present in population databases (gnomAD no frequency). ClinVar contains an entry for this variant (Variation ID: 1390924). This variant has not been reported in the literature in individuals affected with NBAS-related conditions. This sequence change replaces glycine, which is neutral and non-polar, with aspartic acid, which is acidic and polar, at codon 1797 of the NBAS protein (p.Gly1797Asp).

NM_015909.4(NBAS):c.5390G>A (p.Gly1797Asp)

Gene: NBAS (NBAS subunit of NRZ tethering complex; minus strand). Cytogenetic location: 2p24.3.
Variant type: single nucleotide variant.
Coding change: c.5390G>A on transcript NM_015909.4 (MANE Select); coding-DNA position 5390, G replaced by A.
Protein change: p.Gly1797Asp; replaces glycine 1797 with aspartic acid.
Molecular consequence: missense variant. On other transcripts: non-coding transcript variant (1).
Genome position (GRCh38, 1-based): chr2:15,275,818, C>T on the plus strand (G>A on the coding strand, the complement: NBAS is on the minus strand). VCF-style: chr2-15275818-C-T. GRCh37 (hg19) VCF-style: chr2-15415942-C-T.
Other names: c.5390G>A (NM_015909.3); short protein forms G1797D.
Identifiers: ClinVar variation 1390924 (VCV001390924.7), dbSNP rs1352865931, ClinGen allele CA345883422.